The following is an entry in ClinVar:

NM_016169.4(SUFU):c.1418T>A (p.Ile473Asn)

Gene: SUFU (SUFU negative regulator of hedgehog signaling; plus strand). Cytogenetic location: 10q24.32.
Variant type: single nucleotide variant.
Coding change: c.1418T>A on transcript NM_016169.4 (MANE Select); coding-DNA position 1418, T replaced by A.
Protein change: p.Ile473Asn; replaces isoleucine 473 with asparagine.
Molecular consequence: missense variant.
Genome position (GRCh38, 1-based): chr10:102,630,118, T>A. VCF-style: chr10-102630118-T-A. GRCh37 (hg19) VCF-style: chr10-104389875-T-A.
Other names: short protein forms I473N.
Identifiers: ClinVar variation 4843412 (VCV004843412.1).

ClinVar aggregate classification (germline): Uncertain significance (1 of 4 stars; one submission).

Conditions:
Hereditary cancer-predisposing syndrome. Also called: Neoplastic Syndromes, Hereditary; Tumor predisposition; Hereditary Cancer Syndrome; Hereditary neoplastic syndrome. Identifiers: Orphanet 140162, MedGen C0027672, MeSH D009386, MONDO:0015356.

Submission:

Ambry Genetics
Classification: Uncertain significance for Hereditary cancer-predisposing syndrome. Last evaluated: 2026-01-03. Review status: criteria provided, single submitter. Criteria: Ambry Variant Classification Scheme 2023. Collection method: clinical testing. Allele origin: germline.
Comment: The p.I473N variant (also known as c.1418T>A), located in coding exon 12 of the SUFU gene, results from a T to A substitution at nucleotide position 1418. The isoleucine at codon 473 is replaced by asparagine, an amino acid with dissimilar properties. This amino acid position is conserved. In addition, the in silico prediction for this alteration is inconclusive. Based on the available evidence, the clinical significance of this variant remains unclear.